The following is an entry in ClinVar:

NM_001164508.2(NEB):c.780A>G (p.Pro260=)

Gene: NEB (nebulin; minus strand). Cytogenetic location: 2q23.3.
Variant type: single nucleotide variant.
Coding change: c.780A>G on transcript NM_001164508.2 (MANE Select); coding-DNA position 780, A replaced by G.
Protein change: p.Pro260=; no amino-acid change (proline 260 retained).
Molecular consequence: synonymous variant.
Genome position (GRCh38, 1-based): chr2:151,717,458, T>C on the plus strand (A>G on the coding strand, the complement: NEB is on the minus strand). VCF-style: chr2-151717458-T-C. GRCh37 (hg19) VCF-style: chr2-152573972-T-C.
Other names: c.780A>G, p.Pro260= (NM_001164507.2, NM_001271208.2, NM_004543.5).
Identifiers: ClinVar variation 331539 (VCV000331539.33), dbSNP rs80255720, ClinGen allele CA1911797.
Genomic context (GRCh38, chr2:151,717,458, plus strand): 5'-CCAGCTCTATTTACTTACCTTGCTCACTTGATTGGTTACTTTCTTGGCAAATTCTATATC[T>C]GGAGGATCAGCCAGAGGCGTGAATTGAGCTTGCTGTTCAGCGAGACCTTTTTTGTAGGCA-3'
Protein context (NP_001157980.2, residues 250-270): QAQFTPLADP[Pro260=]DIEFAKKVTN

ClinVar aggregate classification (germline): Benign/Likely benign. Review status: criteria provided, multiple submitters, no conflicts (2 of 4 stars). 3 submissions from 3 submitters: Benign (1); Likely benign (1). 1 of the submissions does not count toward it. Last evaluated 2026-01-26.

Conditions:
Nemaline myopathy 2 (NEM2). Also called: Nemaline myopathy 2, autosomal recessive. Identifiers: MedGen C1850569, MONDO:0009725, OMIM 256030.

Allele frequency attached by ClinVar (database versions not stated): gnomAD 0.00012 and 0.00017; gnomAD exomes 0.00014 and 0.00033; ExAC 0.00027; TOPMed 0.00032; 1000 Genomes Project 30x 0.00078; 1000 Genomes Project 0.00100.
gnomAD v4.1: 232 of 1,613,936 alleles (0.014%); highest among the groups gnomAD compares: East Asian, 0.39%; 2 homozygotes.

Submissions (3):

Labcorp Genetics (formerly Invitae), Labcorp
Classification: Benign for Nemaline myopathy 2. Last evaluated: 2026-01-26. Review status: criteria provided, single submitter. Criteria: Invitae Variant Classification Sherloc (09022015). Collection method: clinical testing. Allele origin: germline.

CeGaT Center for Human Genetics Tuebingen
Classification: Likely benign. Last evaluated: 2024-10-01. Review status: criteria provided, single submitter. Criteria: CeGaT Center For Human Genetics Tuebingen Variant Classification Criteria Version 2. Collection method: clinical testing. Allele origin: germline. Affected: yes. Observed: 1 variant allele.
Comment: NEB: BP4, BP7

Natera, Inc.
Classification: Likely benign for Nemaline myopathy type 2. Last evaluated: 2019-11-11. Review status: no assertion criteria provided. Collection method: clinical testing. Allele origin: germline. Not counted in ClinVar's aggregate classification.